The following is an entry in ClinVar:

NM_000322.5(PRPH2):c.642C>A (p.Cys214Ter)

Gene: PRPH2 (peripherin 2; minus strand). Cytogenetic location: 6p21.1.
Variant type: single nucleotide variant.
Coding change: c.642C>A on transcript NM_000322.5 (MANE Select); coding-DNA position 642, C replaced by A.
Protein change: p.Cys214Ter; replaces cysteine 214 with a stop codon.
Molecular consequence: nonsense.
Genome position (GRCh38, 1-based): chr6:42,704,551, G>T on the plus strand (C>A on the coding strand, the complement: PRPH2 is on the minus strand). VCF-style: chr6-42704551-G-T. GRCh37 (hg19) VCF-style: chr6-42672289-G-T.
Other names: short protein forms C214*.
Identifiers: ClinVar variation 973714 (VCV000973714.11), dbSNP rs1388865786, ClinGen allele CA364135565.

ClinVar aggregate classification (germline): Pathogenic/Likely pathogenic. Review status: criteria provided, multiple submitters, no conflicts (2 of 4 stars). 4 submissions from 4 submitters: Pathogenic (2); Likely pathogenic (1). 1 of the submissions does not count toward it. Last evaluated 2025-04-29.

Conditions:
PRPH2-related disorder. Also called: PRPH2-related condition; PRPH2-related disorders. Identifiers: MedGen CN239395.
Stargardt disease (FFM). Also called: Fundus flavimaculatus; Stargardt's disease. Identifiers: Orphanet 827, MedGen C0271093, MONDO:0019353.

Allele frequency attached by ClinVar (database versions not stated): gnomAD exomes below 0.00001; TOPMed below 0.00001.
gnomAD v4.1: 1 of 1,614,174 alleles (0.000062%); highest among the groups gnomAD compares: Non-Finnish European, 0.000085%; no homozygotes.

Submissions (4):

Labcorp Genetics (formerly Invitae), Labcorp
Classification: Pathogenic for PRPH2-related disorder. Last evaluated: 2025-04-29. Review status: criteria provided, single submitter. Criteria: Invitae Variant Classification Sherloc (09022015). Collection method: clinical testing. Allele origin: germline.
Comment: This sequence change creates a premature translational stop signal (p.Cys214*) in the PRPH2 gene. It is expected to result in an absent or disrupted protein product. Loss-of-function variants in PRPH2 are known to be pathogenic (PMID: 8111389, 8485575, 8485576, 8675410, 16916875, 17504850, 22863181, 25675413, 26061163, 27365499, 29555955, 33546218). This variant is not present in population databases (gnomAD no frequency). This premature translational stop signal has been observed in individual(s) with autosomal dominant PRPH2-related conditions (PMID: 32037395, 32531846). ClinVar contains an entry for this variant (Variation ID: 973714). For these reasons, this variant has been classified as Pathogenic.

Blueprint Genetics
Classification: Pathogenic for PRPH2-related disorders. Last evaluated: 2022-09-29. Review status: criteria provided, single submitter. Criteria: ACMG Guidelines, 2015. Collection method: clinical testing. Allele origin: germline. Affected: yes. Observed: 4 variant alleles.

NEI Ophthalmic Genomics Laboratory, National Institutes of Health
Classification: Likely pathogenic for Stargardt disease. Last evaluated: 2020-01-07. Review status: criteria provided, single submitter. Criteria: ACMG Guidelines, 2015. Collection method: clinical testing. Allele origin: germline. Affected: yes.
Comment: The variant NM_000322.4:c.642C>A in the PRPH2 gene has not been reported to our knowledge . This variant is not listed in dbSNP and/or HGMD. It is absent in gnomAD browser. It is not enriched in the PRPH2 disease cohort. We invoked ACMG criteria [PVS1, PM2] and classified NM_000322.4:c.642C>A in the PRPH2 gene as a Likely Pathogenic mutation.

Leiden Open Variation Database
Classification: Pathogenic. Last evaluated: 2021-04-06. Review status: no assertion criteria provided. Collection method: curation. Allele origin: germline. Affected: yes. Not counted in ClinVar's aggregate classification.
Comment: Curator: Global Variome, with Curator vacancy. Submitter to LOVD: Manon Peeters.

Literature cited by the submitters: PubMed 8111389 (cited by Labcorp Genetics (formerly Invitae), Labcorp); PubMed 8485575 (cited by Labcorp Genetics (formerly Invitae), Labcorp); PubMed 8485576 (cited by Labcorp Genetics (formerly Invitae), Labcorp); PubMed 8675410 (cited by Labcorp Genetics (formerly Invitae), Labcorp); PubMed 16916875 (cited by Labcorp Genetics (formerly Invitae), Labcorp); PubMed 17504850 (cited by Labcorp Genetics (formerly Invitae), Labcorp); PubMed 22863181 (cited by Labcorp Genetics (formerly Invitae), Labcorp); PubMed 25675413 (cited by Labcorp Genetics (formerly Invitae), Labcorp); PubMed 26061163 (cited by Labcorp Genetics (formerly Invitae), Labcorp); PubMed 27365499 (cited by Labcorp Genetics (formerly Invitae), Labcorp); PubMed 29555955 (cited by Labcorp Genetics (formerly Invitae), Labcorp); PubMed 33546218 (cited by Labcorp Genetics (formerly Invitae), Labcorp); PubMed 32037395 (cited by Labcorp Genetics (formerly Invitae), Labcorp); PubMed 32531846 (cited by Labcorp Genetics (formerly Invitae), Labcorp and Leiden Open Variation Database).